The following is an entry in ClinVar:

ClinVar aggregate classification (germline): Likely benign (0 of 4 stars; one submission).

Conditions:
FOXD1-related disorder. Also called: FOXD1-related condition.

Submission:

PreventionGenetics, part of Exact Sciences
Classification: Likely benign for FOXD1-related condition. Last evaluated: 2021-03-02. Review status: no assertion criteria provided. Collection method: clinical testing. Allele origin: germline.
Comment: This variant is classified as likely benign based on ACMG/AMP sequence variant interpretation guidelines (Richards et al. 2015 PMID: 25741868, with internal and published modifications).

NM_004472.3(FOXD1):c.564C>G (p.Arg188=)

Gene: FOXD1 (forkhead box D1; minus strand). Cytogenetic location: 5q13.2.
Variant type: single nucleotide variant.
Coding change: c.564C>G on transcript NM_004472.3 (MANE Select); coding-DNA position 564, C replaced by G.
Protein change: p.Arg188=; no amino-acid change (arginine 188 retained).
Molecular consequence: synonymous variant.
Genome position (GRCh38, 1-based): chr5:73,447,799, G>C on the plus strand (C>G on the coding strand, the complement: FOXD1 is on the minus strand). VCF-style: chr5-73447799-G-C. GRCh37 (hg19) VCF-style: chr5-72743624-G-C.
Identifiers: ClinVar variation 3030811 (VCV003030811.2), dbSNP rs777534541, ClinGen allele CA445096721.
Genomic context (GRCh38, chr5:73,447,799, plus strand): 5'-CATGTCGGCGGACTCCGGGTCCAGCGTCCAGTAGTTGCCCTTGCCCGGGTTGCCGGGCTC[G>C]CGGGGGATCTTGACGAAGCAGTCGTTGAGCGAGAGGTTGTGGCGGATGCTGTTCTGCCAG-3'
Protein context (NP_004463.1, residues 178-198): SLNDCFVKIP[Arg188=]EPGNPGKGNY